The following is an entry in ClinVar:

ClinVar aggregate classification (germline): Uncertain significance (1 of 4 stars; one submission).

Conditions:
Alagille syndrome due to a JAG1 point mutation. Also called: HEPATIC DUCTULAR HYPOPLASIA, SYNDROMATIC; JAG1-Related Alagille Syndrome; Alagille Syndrome 1. Identifiers: Orphanet 261619, Orphanet 52, MedGen C1956125, MONDO:0016862, OMIM 118450.

gnomAD v4.1: 2 of 1,613,208 alleles (0.00012%); highest among the groups gnomAD compares: Non-Finnish European, 0.00017%; no homozygotes.

Submission:

Labcorp Genetics (formerly Invitae), Labcorp
Classification: Uncertain significance for Alagille syndrome due to a JAG1 point mutation. Last evaluated: 2024-04-25. Review status: criteria provided, single submitter. Criteria: Invitae Variant Classification Sherloc (09022015). Collection method: clinical testing. Allele origin: germline.
Comment: This sequence change replaces glycine, which is neutral and non-polar, with arginine, which is basic and polar, at codon 62 of the JAG1 protein (p.Gly62Arg). This variant is present in population databases (no rsID available, gnomAD 0.0009%). This variant has not been reported in the literature in individuals affected with JAG1-related conditions. Advanced modeling of protein sequence and biophysical properties (such as structural, functional, and spatial information, amino acid conservation, physicochemical variation, residue mobility, and thermodynamic stability) performed at Invitae indicates that this missense variant is not expected to disrupt JAG1 protein function with a negative predictive value of 95%. In summary, the available evidence is currently insufficient to determine the role of this variant in disease. Therefore, it has been classified as a Variant of Uncertain Significance.

NM_000214.3(JAG1):c.184G>C (p.Gly62Arg)

Gene: JAG1 (jagged canonical Notch ligand 1; minus strand). Cytogenetic location: 20p12.2.
Variant type: single nucleotide variant.
Coding change: c.184G>C on transcript NM_000214.3 (MANE Select); coding-DNA position 184, G replaced by C.
Protein change: p.Gly62Arg; replaces glycine 62 with arginine.
Molecular consequence: missense variant.
Genome position (GRCh38, 1-based): chr20:10,672,904, C>G on the plus strand (G>C on the coding strand, the complement: JAG1 is on the minus strand). VCF-style: chr20-10672904-C-G. GRCh37 (hg19) VCF-style: chr20-10653552-C-G.
Other names: short protein forms G62R.
Identifiers: ClinVar variation 2956563 (VCV002956563.3), dbSNP rs752774309, ClinGen allele CA408243440.
Genomic context (GRCh38, chr20:10,672,904, plus strand): 5'-ACTCCTTGAGGCACACTTTGAAGTATGTGTCACACTCGTCGCGGGTGCACTTGCGGTCTC[C>G]CGGGTTCCGGGCGCCGCCGCAGCAGTTCCCGTTCTGCAGCTCCCCGTTCACGTTCTGCAT-3'
Protein context (NP_000205.1, residues 52-72): GNCCGGARNP[Gly62Arg]DRKCTRDECD